The following is an entry in ClinVar:

NM_004612.4(TGFBR1):c.262C>A (p.Pro88Thr)

Gene: TGFBR1 (transforming growth factor beta receptor 1; plus strand). Cytogenetic location: 9q22.33.
Variant type: single nucleotide variant.
Coding change: c.262C>A on transcript NM_004612.4 (MANE Select); coding-DNA position 262, C replaced by A.
Protein change: p.Pro88Thr; replaces proline 88 with threonine.
Molecular consequence: missense variant. On other transcripts: non-coding transcript variant (4), intron variant (3).
Genome position (GRCh38, 1-based): chr9:99,129,019, C>A. VCF-style: chr9-99129019-C-A. GRCh37 (hg19) VCF-style: chr9-101891301-C-A.
Other names: c.262C>A, p.Pro88Thr (NM_001130916.3, NM_001306210.2, NM_001407416.1 and 2 more transcripts); c.55C>A, p.Pro19Thr (NM_001407418.1, NM_001407419.1, NM_001407420.1 and 12 more transcripts); c.98-3490C>A (NM_001407436.1); c.98-8840C>A (NM_001407438.1); c.98-13517C>A (NM_001407437.1); short protein forms P19T, P88T.
Identifiers: ClinVar variation 3898035 (VCV003898035.2).

ClinVar aggregate classification (germline): Uncertain significance. Review status: criteria provided, multiple submitters, no conflicts (2 of 4 stars). 2 submissions from 2 submitters: Uncertain significance (2). Last evaluated 2024-02-01.

Conditions:
Loeys-Dietz syndrome 1 (LDS1). Also called: TGFBR1-Related Loeys-Dietz Syndrome; FURLONG SYNDROME; AORTIC ANEURYSM, FAMILIAL THORACIC 5. Identifiers: Orphanet 60030, MedGen C4551955, MONDO:0012212, OMIM 609192.

gnomAD v4.1: 1 of 1,613,890 alleles (0.000062%); no homozygotes.

Submissions (2):

Neuberg Centre For Genomic Medicine, NCGM
Classification: Uncertain significance for Loeys-Dietz syndrome 1. Last evaluated: 2024-02-01. Review status: criteria provided, single submitter. Criteria: ACMG Guidelines, 2015. Collection method: clinical testing. Allele origin: germline. Inheritance: Autosomal dominant inheritance.
Comment: The missense variant has not been reported previously as a pathogenic variant nor as a benign variant, to our knowledge.

Blueprint Genetics
Classification: Uncertain significance. Last evaluated: 2021-11-10. Review status: criteria provided, single submitter. Criteria: ACMG Guidelines, 2015. Collection method: clinical testing. Allele origin: germline.